The following is an entry in ClinVar:

NM_001330078.2(NRXN1):c.512T>A (p.Leu171Gln)

Gene: NRXN1 (neurexin 1; minus strand). Cytogenetic location: 2p16.3.
Variant type: single nucleotide variant.
Coding change: c.512T>A on transcript NM_001330078.2 (MANE Select); coding-DNA position 512, T replaced by A.
Protein change: p.Leu171Gln; replaces leucine 171 with glutamine.
Molecular consequence: missense variant.
Genome position (GRCh38, 1-based): chr2:51,027,762, A>T on the plus strand (T>A on the coding strand, the complement: NRXN1 is on the minus strand). VCF-style: chr2-51027762-A-T. GRCh37 (hg19) VCF-style: chr2-51254900-A-T.
Other names: c.512T>A, p.Leu171Gln (NM_001135659.3, NM_001330077.2, NM_001330079.2 and 15 more transcripts); short protein forms L171Q.
Identifiers: ClinVar variation 1418777 (VCV001418777.6), dbSNP rs2105329392, ClinGen allele CA346823854.

ClinVar aggregate classification (germline): Uncertain significance (1 of 4 stars; one submission).

Conditions:
Pitt-Hopkins-like syndrome 2 (PTHSL2). Identifiers: Orphanet 221150, Orphanet 600663, MedGen C3280479, MONDO:0013690, OMIM 614325.

Allele frequency attached by ClinVar (database versions not stated): gnomAD exomes 0.00001.
gnomAD v4.1: 11 of 1,612,330 alleles (0.00068%); highest among the groups gnomAD compares: Non-Finnish European, 0.00093%; no homozygotes.

Submission:

Labcorp Genetics (formerly Invitae), Labcorp
Classification: Uncertain significance for Pitt-Hopkins-like syndrome 2. Last evaluated: 2022-08-23. Review status: criteria provided, single submitter. Criteria: Invitae Variant Classification Sherloc (09022015). Collection method: clinical testing. Allele origin: germline.
Comment: This sequence change replaces leucine, which is neutral and non-polar, with glutamine, which is neutral and polar, at codon 171 of the NRXN1 protein (p.Leu171Gln). In summary, the available evidence is currently insufficient to determine the role of this variant in disease. Therefore, it has been classified as a Variant of Uncertain Significance. Algorithms developed to predict the effect of missense changes on protein structure and function are either unavailable or do not agree on the potential impact of this missense change (SIFT: "Deleterious"; PolyPhen-2: "Benign"; Align-GVGD: "Class C0"). ClinVar contains an entry for this variant (Variation ID: 1418777). This variant has not been reported in the literature in individuals affected with NRXN1-related conditions. This variant is not present in population databases (gnomAD no frequency).